The following is an entry in ClinVar:

ClinVar aggregate classification (germline): Uncertain significance (1 of 4 stars; one submission).

Conditions:
Mucopolysaccharidosis, MPS-III-D (MPS3D). Also called: N-ACETYLGLUCOSAMINE-6-SULFATASE DEFICIENCY; SANFILIPPO SYNDROME D; MPS III D; Mucopoly-saccharidosis type 3D; N-acetylglucosamine-6-sulfate sulfatase deficiency; MPS 3D. Identifiers: Orphanet 581, Orphanet 79272, MedGen C0086650, MONDO:0009658, OMIM 252940.

gnomAD v4.1: 1 of 1,536,038 alleles (0.000065%); highest among the groups gnomAD compares: Non-Finnish European, 0.00009%; no homozygotes.

Submission:

Labcorp Genetics (formerly Invitae), Labcorp
Classification: Uncertain significance for Mucopolysaccharidosis, MPS-III-D. Last evaluated: 2023-08-17. Review status: criteria provided, single submitter. Criteria: Invitae Variant Classification Sherloc (09022015). Collection method: clinical testing. Allele origin: germline.
Comment: In summary, the available evidence is currently insufficient to determine the role of this variant in disease. Therefore, it has been classified as a Variant of Uncertain Significance. An algorithm developed to predict the effect of missense changes on protein structure and function (PolyPhen-2) suggests that this variant is likely to be disruptive. ClinVar contains an entry for this variant (Variation ID: 1940695). This variant has not been reported in the literature in individuals affected with GNS-related conditions. This variant is not present in population databases (gnomAD no frequency). This sequence change replaces isoleucine, which is neutral and non-polar, with methionine, which is neutral and non-polar, at codon 74 of the GNS protein (p.Ile74Met).

NM_002076.4(GNS):c.222C>G (p.Ile74Met)

Gene: GNS (glucosamine (N-acetyl)-6-sulfatase; minus strand). Cytogenetic location: 12q14.3.
Variant type: single nucleotide variant.
Coding change: c.222C>G on transcript NM_002076.4 (MANE Select); coding-DNA position 222, C replaced by G.
Protein change: p.Ile74Met; replaces isoleucine 74 with methionine.
Molecular consequence: missense variant.
Genome position (GRCh38, 1-based): chr12:64,752,728, G>C on the plus strand (C>G on the coding strand, the complement: GNS is on the minus strand). VCF-style: chr12-64752728-G-C. GRCh37 (hg19) VCF-style: chr12-65146508-G-C.
Other names: short protein forms I74M.
Identifiers: ClinVar variation 1940695 (VCV001940695.4), dbSNP rs1375026446, ClinGen allele CA385611448.